The following is an entry in ClinVar:

ClinVar aggregate classification (germline): Likely pathogenic (1 of 4 stars; one submission).

Conditions:
MHC class II deficiency. Also called: Bare lymphocyte syndrome 2; BLS, TYPE II. Identifiers: Orphanet 572, MedGen C5447452, MONDO:0008855.

Submission:

Labcorp Genetics (formerly Invitae), Labcorp
Classification: Likely pathogenic for MHC class II deficiency. Last evaluated: 2023-10-23. Review status: criteria provided, single submitter. Criteria: Invitae Variant Classification Sherloc (09022015). Collection method: clinical testing. Allele origin: germline.
Comment: This sequence change affects a donor splice site in intron 5 of the CIITA gene. It is expected to disrupt RNA splicing. Variants that disrupt the donor or acceptor splice site typically lead to a loss of protein function (PMID: 16199547), and loss-of-function variants in CIITA are known to be pathogenic (PMID: 8402893, 9099848, 26271388). This variant is not present in population databases (gnomAD no frequency). This variant has not been reported in the literature in individuals affected with CIITA-related conditions. Algorithms developed to predict the effect of sequence changes on RNA splicing suggest that this variant may disrupt the consensus splice site. In summary, the currently available evidence indicates that the variant is pathogenic, but additional data are needed to prove that conclusively. Therefore, this variant has been classified as Likely Pathogenic.

Literature cited by the submitters: PubMed 16199547; PubMed 8402893; PubMed 9099848; PubMed 26271388.

NM_000246.4(CIITA):c.436+2T>C

Gene: CIITA (class II major histocompatibility complex transactivator; plus strand). Cytogenetic location: 16p13.13.
Variant type: single nucleotide variant.
Coding change: c.436+2T>C on transcript NM_000246.4 (MANE Select); the canonical splice donor site of the intron after coding-DNA position 436, T replaced by C.
Molecular consequence: splice donor variant.
Genome position (GRCh38, 1-based): chr16:10,899,004, T>C. VCF-style: chr16-10899004-T-C. GRCh37 (hg19) VCF-style: chr16-10992861-T-C.
Other names: c.439+2T>C (NM_001286402.1, NM_001379332.1, NM_001379330.1); c.436+2T>C (NM_001379333.1, NM_001379331.1, NM_001286403.2); c.367+2T>C (NM_001379334.1).
Identifiers: ClinVar variation 2767968 (VCV002767968.3), dbSNP rs2544345786, ClinGen allele CA394727885.